The following is an entry in ClinVar:

NM_000283.4(PDE6B):c.394T>C (p.Phe132Leu)

Gene: PDE6B (phosphodiesterase 6B; plus strand). Cytogenetic location: 4p16.3.
Variant type: single nucleotide variant.
Coding change: c.394T>C on transcript NM_000283.4 (MANE Select); coding-DNA position 394, T replaced by C.
Protein change: p.Phe132Leu; replaces phenylalanine 132 with leucine.
Molecular consequence: missense variant.
Genome position (GRCh38, 1-based): chr4:626,020, T>C. VCF-style: chr4-626020-T-C. GRCh37 (hg19) VCF-style: chr4-619809-T-C.
Other names: c.394T>C, p.Phe132Leu (NM_001145291.2); short protein forms F132L.
Identifiers: ClinVar variation 3702341 (VCV003702341.2).
Genomic context (GRCh38, chr4:626,020, plus strand): 5'-AGCGTGCAGCCGGACAGCGTCCTGGAGGACTGCCTGGTGCCCCCCGACTCCGAGATCGTC[T>C]TCCCACTGGACATCGGGGTCGTGGGCCACGTGGCTCAGACCAAAAAGATGGTGAACGTCG-3'
Protein context (NP_000274.3, residues 122-142): CLVPPDSEIV[Phe132Leu]PLDIGVVGHV

ClinVar aggregate classification (germline): Uncertain significance (1 of 4 stars; one submission).

gnomAD v4.1: 2 of 1,594,476 alleles (0.00013%); highest among the groups gnomAD compares: Non-Finnish European, 0.000085%; no homozygotes.

Submission:

Labcorp Genetics (formerly Invitae), Labcorp
Classification: Uncertain significance. Last evaluated: 2024-12-15. Review status: criteria provided, single submitter. Criteria: Invitae Variant Classification Sherloc (09022015). Collection method: clinical testing. Allele origin: germline.
Comment: This sequence change replaces phenylalanine, which is neutral and non-polar, with leucine, which is neutral and non-polar, at codon 132 of the PDE6B protein (p.Phe132Leu). This variant is not present in population databases (gnomAD no frequency). This variant has not been reported in the literature in individuals affected with PDE6B-related conditions. Invitae Evidence Modeling of protein sequence and biophysical properties (such as structural, functional, and spatial information, amino acid conservation, physicochemical variation, residue mobility, and thermodynamic stability) indicates that this missense variant is not expected to disrupt PDE6B protein function with a negative predictive value of 80%. In summary, the available evidence is currently insufficient to determine the role of this variant in disease. Therefore, it has been classified as a Variant of Uncertain Significance.